The following is an entry in ClinVar:

ClinVar aggregate classification (germline): Benign/Likely benign. Review status: criteria provided, multiple submitters, no conflicts (2 of 4 stars). 8 submissions from 8 submitters: Benign (2); Likely benign (3). 3 of the submissions do not count toward it. Last evaluated 2026-09-01.

Conditions:
PKD1-related disorder. Also called: PKD1-related condition.

Allele frequency attached by ClinVar (database versions not stated): TOPMed 0.00060; gnomAD 0.00061 and 0.00070; ESP Exome Variant Server 0.00062; gnomAD exomes 0.00068 and 0.00095; 1000 Genomes Project 30x 0.00094; ExAC 0.00101; 1000 Genomes Project 0.00120.
gnomAD v4.1: 1,102 of 1,609,636 alleles (0.068%); highest among the groups gnomAD compares: East Asian, 0.71%; 3 homozygotes.

Submissions (8):

CeGaT Center for Human Genetics Tuebingen
Classification: Likely benign. Last evaluated: 2026-09-01. Review status: criteria provided, single submitter. Criteria: CeGaT Center For Human Genetics Tuebingen Variant Classification Criteria Version 2. Collection method: clinical testing. Allele origin: germline. Affected: yes. Observed: 1 variant allele.
Comment: PKD1: BP4, BP7

Blueprint Genetics
Classification: Likely benign. Last evaluated: 2024-11-27. Review status: criteria provided, single submitter. Criteria: ACMG Guidelines, 2015. Collection method: clinical testing. Allele origin: germline.

Athena Diagnostics
Classification: Benign. Last evaluated: 2020-09-18. Review status: criteria provided, single submitter. Criteria: Athena Diagnostics criteria. Collection method: clinical testing. Allele origin: unknown.

ARUP Laboratories, Molecular Genetics and Genomics, ARUP Laboratories
Classification: Benign. Last evaluated: 2016-11-02. Review status: criteria provided, single submitter. Criteria: ARUP Molecular Germline Variant Investigation Process. Collection method: clinical testing. Allele origin: germline.

Breakthrough Genomics
Classification: Likely benign. Review status: criteria provided, single submitter. Criteria: ACMG Guidelines, 2015. Collection method: not provided. Allele origin: germline. Inheritance: Autosomal dominant inheritance. Affected: yes.

PreventionGenetics, part of Exact Sciences
Classification: Benign for PKD1-related condition. Last evaluated: 2019-06-19. Review status: no assertion criteria provided. Collection method: clinical testing. Allele origin: germline. Not counted in ClinVar's aggregate classification.
Comment: This variant is classified as benign based on ACMG/AMP sequence variant interpretation guidelines (Richards et al. 2015 PMID: 25741868, with internal and published modifications).

Clinical Genetics DNA and cytogenetics Diagnostics Lab, Erasmus MC, Erasmus Medical Center
Classification: Likely benign. Review status: no assertion criteria provided. Collection method: clinical testing. Allele origin: germline. Affected: yes. Study: VKGL Data-share Consensus. Not counted in ClinVar's aggregate classification.

Laboratory of Diagnostic Genome Analysis, Leiden University Medical Center (LUMC)
Classification: Likely benign. Review status: no assertion criteria provided. Collection method: clinical testing. Allele origin: germline. Affected: yes. Study: VKGL Data-share Consensus. Not counted in ClinVar's aggregate classification.

Literature cited by the submitters: PubMed 23266634 (cited by Athena Diagnostics).

NM_001009944.3(PKD1):c.2655C>T (p.Cys885=)

Gene: PKD1 (polycystin 1, transient receptor potential channel interacting; minus strand). Cytogenetic location: 16p13.3.
Variant type: single nucleotide variant.
Coding change: c.2655C>T on transcript NM_001009944.3 (MANE Select); coding-DNA position 2655, C replaced by T.
Protein change: p.Cys885=; no amino-acid change (cysteine 885 retained).
Molecular consequence: synonymous variant.
Genome position (GRCh38, 1-based): chr16:2,114,368, G>A on the plus strand (C>T on the coding strand, the complement: PKD1 is on the minus strand). VCF-style: chr16-2114368-G-A. GRCh37 (hg19) VCF-style: chr16-2164369-G-A.
Other names: c.2655C>T, p.Cys885= (NM_000296.4).
Identifiers: ClinVar variation 256934 (VCV000256934.17), dbSNP rs142606648, ClinGen allele CA7833141.
Genomic context (GRCh38, chr16:2,114,368, plus strand): 5'-CCCCTCACTGAGCCACGGCAGTGCTACCACTGAGAACAGGGTATCGTTGGTCTCCCAGGG[G>A]CAGCCGGGCACGAAGGTGGCCACCAGGGCAGGGCAGACATTCTCAAAGCGGGCGCTGACA-3'
Protein context (NP_001009944.3, residues 875-895): PALVATFVPG[Cys885=]PWETNDTLFS